The following is an entry in ClinVar:

NM_018263.6(ASXL2):c.2641del (p.Ala881fs)

Gene: ASXL2 (ASXL transcriptional regulator 2; minus strand). Cytogenetic location: 2p23.3.
Variant type: Deletion.
Coding change: c.2641del on transcript NM_018263.6 (MANE Select); coding-DNA position 2641, one base deleted (G; older notation c.2641delG).
Protein change: p.Ala881fs; shifts the reading frame from alanine 881.
Molecular consequence: frameshift variant.
Genome position (GRCh38, 1-based): chr2:25,743,696, C deleted on the plus strand (G on the coding strand, the reverse complement: ASXL2 is on the minus strand); the first of 2 consecutive C bases (chr2:25,743,696-25,743,697); deleting either gives the same sequence. VCF-style (leftmost placement, unchanged base first): chr2-25743695-GC-G. GRCh37 (hg19) VCF-style: chr2-25966564-GC-G.
Other names: c.2467del, p.Ala823fs (NM_001369346.1); c.1861del, p.Ala621fs (NM_001369347.1); short protein forms A621fs, A823fs, A881fs.
Identifiers: ClinVar variation 4292491 (VCV004292491.1).

ClinVar aggregate classification (germline): Likely pathogenic (1 of 4 stars; one submission).

Conditions:
Shashi-Pena syndrome (SHAPNS). Identifiers: Orphanet 689408, MedGen C4310672, MONDO:0014963, OMIM 617190.

Submission:

3billion
Classification: Likely pathogenic for Shashi-Pena syndrome. Last evaluated: 2024-07-18. Review status: criteria provided, single submitter. Criteria: ACMG Guidelines, 2015. Collection method: clinical testing. Allele origin: germline. Affected: yes.
Comment: The variant is not observed in the gnomAD v4.0.0 dataset. Predicted Consequence/Location: Frameshift: predicted to result in a loss or disruption of normal protein function through protein truncation. The predicted truncated protein may be shortened by more than 10%. Therefore, this variant is classified as Likely pathogenic according to the recommendation of ACMG/AMP guideline.